The following is an entry in ClinVar:

ClinVar aggregate classification (germline): Benign (3 of 4 stars; one submission).

Conditions:
Breast-ovarian cancer, familial, susceptibility to, 2 (BROVCA2). Also called: BRCA2 Hereditary Breast and Ovarian Cancer. Identifiers: Orphanet 145, MedGen C2675520, MONDO:0012933, OMIM 612555. Disease mechanism: loss of function.

Allele frequency attached by ClinVar (database versions not stated): TOPMed 0.21302; gnomAD 0.21480 and 0.21713; 1000 Genomes Project 30x 0.22017; 1000 Genomes Project 0.22584.
gnomAD v4.1: 32,925 of 152,000 alleles (22%); highest among the groups gnomAD compares: East Asian, 39%; 3,690 homozygotes.

Submission:

Evidence-based Network for the Interpretation of Germline Mutant Alleles (ENIGMA)
Classification: Benign for Breast-ovarian cancer, familial 2. Last evaluated: 2015-01-12. Review status: reviewed by expert panel. Criteria: ENIGMA BRCA1/2 Classification Criteria (2015). Collection method: curation. Allele origin: germline.
Comment: Class 1 not pathogenic based on frequency >1% in an outbred sampleset. Frequency 0.3811 (Asian), 0.1402 (African), 0.219 (European), derived from 1000 genomes (2012-04-30).

NM_000059.4(BRCA2):c.9256+3537G>A

Gene: BRCA2 (BRCA2 DNA repair associated; plus strand). Cytogenetic location: 13q13.1.
Variant type: single nucleotide variant.
Coding change: c.9256+3537G>A on transcript NM_000059.4 (MANE Select); 3537 bases into the intron after coding-DNA position 9256, G replaced by A.
Molecular consequence: intron variant.
Genome position (GRCh38, 1-based): chr13:32,383,682, G>A. VCF-style: chr13-32383682-G-A. GRCh37 (hg19) VCF-style: chr13-32957819-G-A.
Other names: IVS 24+3537G>A.
Identifiers: ClinVar variation 209860 (VCV000209860.1), dbSNP rs7337574, ClinGen allele CA276828.